The following is an entry in ClinVar:

ClinVar aggregate classification (germline): Likely benign. Review status: criteria provided, single submitter (1 of 4 stars). 2 submissions from 2 submitters: Likely benign (1). 1 of the submissions does not count toward it. Last evaluated 2020-09-16.

Conditions:
NDUFA11-related disorder. Also called: NDUFA11-related condition.

Allele frequency attached by ClinVar (database versions not stated): gnomAD exomes 0.00003 and 0.00006; gnomAD 0.00004 and 0.00005; TOPMed 0.00007; ExAC 0.00018.
gnomAD v4.1: 49 of 1,568,988 alleles (0.0031%); highest among the groups gnomAD compares: East Asian, 0.11%; 1 homozygote.

Submissions (2):

GeneDx
Classification: Likely benign. Last evaluated: 2020-09-16. Review status: criteria provided, single submitter. Criteria: GeneDx Variant Classification Process June 2021. Collection method: clinical testing. Allele origin: germline. Affected: yes.

PreventionGenetics, part of Exact Sciences
Classification: Likely benign for NDUFA11-related condition. Last evaluated: 2019-12-09. Review status: no assertion criteria provided. Collection method: clinical testing. Allele origin: germline. Not counted in ClinVar's aggregate classification.
Comment: This variant is classified as likely benign based on ACMG/AMP sequence variant interpretation guidelines (Richards et al. 2015 PMID: 25741868, with internal and published modifications).

NM_175614.5(NDUFA11):c.313+3G>A

Gene: NDUFA11 (NADH:ubiquinone oxidoreductase subunit A11; minus strand). Cytogenetic location: 19p13.3.
Variant type: single nucleotide variant.
Coding change: c.313+3G>A on transcript NM_175614.5 (MANE Select); 3 bases into the intron after coding-DNA position 313, G replaced by A.
Molecular consequence: intron variant.
Genome position (GRCh38, 1-based): chr19:5,896,450, C>T on the plus strand (G>A on the coding strand, the complement: NDUFA11 is on the minus strand). VCF-style: chr19-5896450-C-T. GRCh37 (hg19) VCF-style: chr19-5896461-C-T.
Other names: c.313+3G>A (NM_001193375.3, NM_175614.4).
Identifiers: ClinVar variation 1318342 (VCV001318342.4), dbSNP rs775685917, ClinGen allele CA9118947.